The following is an entry in ClinVar:

ClinVar aggregate classification (germline): Uncertain significance (1 of 4 stars; one submission).

Conditions:
GM3 synthase deficiency (SPDRS). Also called: SALT AND PEPPER MENTAL RETARDATION SYNDROME; SALT AND PEPPER DEVELOPMENTAL REGRESSION SYNDROME; AMISH INFANTILE EPILEPSY SYNDROME. Identifiers: Orphanet 171714, Orphanet 370933, MedGen C1836824, MONDO:0018274, OMIM 609056.

Allele frequency attached by ClinVar (database versions not stated): TOPMed below 0.00001; gnomAD exomes 0.00001 and 0.00003; ExAC 0.00006.
gnomAD v4.1: 17 of 1,613,994 alleles (0.0011%); highest among the groups gnomAD compares: South Asian, 0.016%; no homozygotes.

Submission:

Labcorp Genetics (formerly Invitae), Labcorp
Classification: Uncertain significance for GM3 synthase deficiency. Last evaluated: 2024-01-17. Review status: criteria provided, single submitter. Criteria: Invitae Variant Classification Sherloc (09022015). Collection method: clinical testing. Allele origin: germline.
Comment: This sequence change falls in intron 4 of the ST3GAL5 gene. It does not directly change the encoded amino acid sequence of the ST3GAL5 protein. This variant is present in population databases (rs768252447, gnomAD 0.03%). This variant has not been reported in the literature in individuals affected with ST3GAL5-related conditions. ClinVar contains an entry for this variant (Variation ID: 1473476). Algorithms developed to predict the effect of sequence changes on RNA splicing suggest that this variant may disrupt the consensus splice site. In summary, the available evidence is currently insufficient to determine the role of this variant in disease. Therefore, it has been classified as a Variant of Uncertain Significance.

NM_003896.4(ST3GAL5):c.663-4A>G

Gene: ST3GAL5 (ST3 beta-galactoside alpha-2,3-sialyltransferase 5; minus strand). Cytogenetic location: 2p11.2.
Variant type: single nucleotide variant.
Coding change: c.663-4A>G on transcript NM_003896.4 (MANE Select); 4 bases into the intron before coding-DNA position 663, A replaced by G.
Molecular consequence: intron variant.
Genome position (GRCh38, 1-based): chr2:85,846,567, T>C on the plus strand (A>G on the coding strand, the complement: ST3GAL5 is on the minus strand). VCF-style: chr2-85846567-T-C. GRCh37 (hg19) VCF-style: chr2-86073690-T-C.
Other names: c.279-4A>G (NM_001354226.2, NM_001354233.2, NM_001354224.2 and 3 more transcripts); c.579-4A>G (NM_001354227.2, NM_001354229.2, NM_001354238.1); c.594-4A>G (NM_001042437.2); c.663-4A>G (NM_001363847.1); c.-61-4A>G (NM_001354247.1).
Identifiers: ClinVar variation 1473476 (VCV001473476.7), dbSNP rs768252447, ClinGen allele CA1744987.